The following is an entry in ClinVar:

NM_001267550.2(TTN):c.45120T>G (p.Ile15040Met)

Genes: TTN (titin; minus strand), LOC126806427 (BRD4-independent group 4 enhancer GRCh37_chr2:179485777-179486976; plus strand). Cytogenetic location: 2q31.2.
Variant type: single nucleotide variant.
Coding change: c.45120T>G on transcript NM_001267550.2 (MANE Select); coding-DNA position 45120, T replaced by G.
Protein change: p.Ile15040Met; replaces isoleucine 15040 with methionine.
Molecular consequence: missense variant.
Genome position (GRCh38, 1-based): chr2:178,621,704, A>C on the plus strand (T>G on the coding strand, the complement: TTN is on the minus strand). VCF-style: chr2-178621704-A-C. GRCh37 (hg19) VCF-style: chr2-179486431-A-C.
Other names: p.I13399M:ATT>ATG; c.40197T>G, p.Ile13399Met (NM_001256850.1); c.17925T>G, p.Ile5975Met (NM_003319.4); c.37416T>G, p.Ile12472Met (NM_133378.4); c.18300T>G, p.Ile6100Met (NM_133432.3); c.18501T>G, p.Ile6167Met (NM_133437.4); short protein forms I12472M, I15040M, I13399M, I5975M, I6100M, I6167M.
Identifiers: ClinVar variation 96289 (VCV000096289.66), dbSNP rs74580375, ClinGen allele CA149425.

ClinVar aggregate classification (germline): Benign/Likely benign. Review status: criteria provided, multiple submitters, no conflicts (2 of 4 stars). 24 submissions from 17 submitters: Benign (15); Likely benign (9). Last evaluated 2026-05-01.

Conditions:
TTN-related disorder. Also called: TTN-related disorders; TTN-related condition; TTN-related disease.
Cardiovascular phenotype. Identifiers: MedGen CN230736.
Dilated cardiomyopathy 1G (CMD1G). Identifiers: Orphanet 154, MedGen C1858763, MONDO:0011400, OMIM 604145.
Autosomal recessive limb-girdle muscular dystrophy type 2J (LGMDR10). Also called: Limb-girdle muscular dystrophy, type 2J; MUSCULAR DYSTROPHY, LIMB-GIRDLE, AUTOSOMAL RECESSIVE 10. Identifiers: Orphanet 140922, MedGen C1837342, MONDO:0012127, OMIM 608807.
Cardiomyopathy (CMYO). Also called: Cardiomyopathies. Identifiers: Orphanet 167848, MedGen C0878544, MONDO:0004994, HP:0001638. Inheritance: Various modes of inheritance.
Early-onset myopathy with fatal cardiomyopathy (CMYO5). Also called: Salih Myopathy; CONGENITAL MYOPATHY 5 WITH CARDIOMYOPATHY. Identifiers: Orphanet 289377, MedGen C2673677, MONDO:0012714, OMIM 611705. Disease mechanism: loss of function.
Tibial muscular dystrophy (TMD). Also called: UDD MYOPATHY; Tibial muscular dystrophy, tardive; Udd Distal Myopathy – Tibial Muscular Dystrophy. Identifiers: Orphanet 609, MedGen C1838244, MONDO:0010870, OMIM 600334.
Myopathy, myofibrillar, 9, with early respiratory failure (MFM9). Also called: Hereditary myopathy with early respiratory failure; MYOPATHY, PROXIMAL, WITH EARLY RESPIRATORY MUSCLE INVOLVEMENT; Myopathy, distal, with early respiratory failure, autosomal dominant; EDSTROM MYOPATHY. Identifiers: Orphanet 178464, Orphanet 34521, MedGen C1863599, MONDO:0011362, OMIM 603689.

Allele frequency attached by ClinVar (database versions not stated): 1000 Genomes Project 30x 0.00328; 1000 Genomes Project 0.00379; TOPMed 0.00060.
gnomAD v4.1: 632 of 1,611,842 alleles (0.039%); highest among the groups gnomAD compares: East Asian, 1.1%; no homozygotes.

Submissions (24):

CeGaT Center for Human Genetics Tuebingen
Classification: Likely benign. Last evaluated: 2026-05-01. Review status: criteria provided, single submitter. Criteria: CeGaT Center For Human Genetics Tuebingen Variant Classification Criteria Version 2. Collection method: clinical testing. Allele origin: germline. Affected: yes. Observed: 4 variant alleles.
Comment: TTN: BP4, BS1

Molecular Diagnostic Laboratory for Inherited Cardiovascular Disease, Montreal Heart Institute
Classification: Likely benign. Last evaluated: 2026-03-27. Review status: criteria provided, single submitter. Criteria: ACMG Guidelines, 2015. Collection method: clinical testing. Allele origin: germline. Affected: no.

Labcorp Genetics (formerly Invitae), Labcorp
Classification: Benign for Dilated cardiomyopathy 1G; Autosomal recessive limb-girdle muscular dystrophy type 2J. Last evaluated: 2026-02-03. Review status: criteria provided, single submitter. Criteria: Invitae Variant Classification Sherloc (09022015). Collection method: clinical testing. Allele origin: germline.

Mayo Clinic Laboratories, Mayo Clinic
Classification: Likely benign. Last evaluated: 2025-08-27. Review status: criteria provided, single submitter. Criteria: ACMG Guidelines, 2015. Collection method: clinical testing. Allele origin: germline. Observed: 4 variant alleles.
Comment: BS1, BP4_moderate

PreventionGenetics, part of Exact Sciences
Classification: Benign for TTN-related condition. Last evaluated: 2025-06-18. Review status: criteria provided, single submitter. Criteria: ACMG Guidelines, 2015. Collection method: clinical testing. Allele origin: germline.
Comment: This variant is classified as benign based on ACMG/AMP sequence variant interpretation guidelines (Richards et al. 2015 PMID: 25741868, with internal and published modifications).

Blueprint Genetics
Classification: Likely benign. Last evaluated: 2024-10-16. Review status: criteria provided, single submitter. Criteria: ACMG Guidelines, 2015. Collection method: clinical testing. Allele origin: germline.

ARUP Laboratories, Molecular Genetics and Genomics, ARUP Laboratories
Classification: Benign. Last evaluated: 2023-08-26. Review status: criteria provided, single submitter. Criteria: ARUP Molecular Germline Variant Investigation Process 2024. Collection method: clinical testing. Allele origin: germline.

CHEO Genetics Diagnostic Laboratory, Children's Hospital of Eastern Ontario
Classification: Benign for Cardiomyopathy. Last evaluated: 2023-03-06. Review status: criteria provided, single submitter. Criteria: ACMG Guidelines, 2015. Collection method: clinical testing. Allele origin: germline.

Women's Health and Genetics/Laboratory Corporation of America, LabCorp
Classification: Likely benign. Last evaluated: 2022-07-02. Review status: criteria provided, single submitter. Criteria: LabCorp Variant Classification Summary - May 2015. Collection method: clinical testing. Allele origin: germline.

Genome-Nilou Lab
Classification: Benign for Autosomal recessive limb-girdle muscular dystrophy type 2J. Last evaluated: 2021-09-10. Review status: criteria provided, single submitter. Criteria: ACMG Guidelines, 2015. Collection method: clinical testing. Allele origin: germline. Affected: no.

Genome-Nilou Lab
Classification: Benign for Myopathy, myofibrillar, 9, with early respiratory failure. Last evaluated: 2021-09-10. Review status: criteria provided, single submitter. Criteria: ACMG Guidelines, 2015. Collection method: clinical testing. Allele origin: germline. Affected: no.

Genome-Nilou Lab
Classification: Benign for Early-onset myopathy with fatal cardiomyopathy. Last evaluated: 2021-09-10. Review status: criteria provided, single submitter. Criteria: ACMG Guidelines, 2015. Collection method: clinical testing. Allele origin: germline. Affected: no.

Genome-Nilou Lab
Classification: Benign for Tibial muscular dystrophy. Last evaluated: 2021-09-10. Review status: criteria provided, single submitter. Criteria: ACMG Guidelines, 2015. Collection method: clinical testing. Allele origin: germline. Affected: no.

Ambry Genetics
Classification: Benign for Cardiovascular phenotype. Last evaluated: 2019-02-21. Review status: criteria provided, single submitter. Criteria: Ambry Variant Classification Scheme 2023. Collection method: clinical testing. Allele origin: germline.

Illumina Laboratory Services, Illumina
Classification: Benign for Tibial muscular dystrophy. Last evaluated: 2018-01-12. Review status: criteria provided, single submitter. Criteria: ICSL Variant Classification Criteria 13 December 2019. Collection method: clinical testing. Allele origin: germline.
Comment: This variant was observed in the ICSL laboratory as part of a predisposition screen in an ostensibly healthy population. It had not been previously curated by ICSL or reported in the Human Gene Mutation Database (HGMD: prior to June 1st, 2018), and was therefore a candidate for classification through an automated scoring system. Utilizing variant allele frequency, disease prevalence and penetrance estimates, and inheritance mode, an automated score was calculated to assess if this variant is too frequent to cause the disease. Based on the score and internal cut-off values, a variant classified as benign is not then subjected to further curation. The score for this variant resulted in a classification of benign for this disease.

Illumina Laboratory Services, Illumina
Classification: Likely benign for Dilated cardiomyopathy 1G. Last evaluated: 2018-01-12. Review status: criteria provided, single submitter. Criteria: ICSL Variant Classification Criteria 13 December 2019. Collection method: clinical testing. Allele origin: germline.
Comment: This variant was observed in the ICSL laboratory as part of a predisposition screen in an ostensibly healthy population. It had not been previously curated by ICSL or reported in the Human Gene Mutation Database (HGMD: prior to June 1st, 2018), and was therefore a candidate for classification through an automated scoring system. Utilizing variant allele frequency, disease prevalence and penetrance estimates, and inheritance mode, an automated score was calculated to assess if this variant is too frequent to cause the disease. Based on the score and internal cut-off values, a variant classified as likely benign is not then subjected to further curation. The score for this variant resulted in a classification of likely benign for this disease.

Illumina Laboratory Services, Illumina
Classification: Likely benign for Early-onset myopathy with fatal cardiomyopathy. Last evaluated: 2018-01-12. Review status: criteria provided, single submitter. Criteria: ICSL Variant Classification Criteria 13 December 2019. Collection method: clinical testing. Allele origin: germline.
Comment: the same text as in the submission from Illumina Laboratory Services, Illumina above.

Illumina Laboratory Services, Illumina
Classification: Likely benign for Autosomal recessive limb-girdle muscular dystrophy type 2J. Last evaluated: 2018-01-12. Review status: criteria provided, single submitter. Criteria: ICSL Variant Classification Criteria 13 December 2019. Collection method: clinical testing. Allele origin: germline.
Comment: the same text as in the submission from Illumina Laboratory Services, Illumina above.

Illumina Laboratory Services, Illumina
Classification: Benign for Myopathy, myofibrillar, 9, with early respiratory failure. Last evaluated: 2018-01-12. Review status: criteria provided, single submitter. Criteria: ICSL Variant Classification Criteria 13 December 2019. Collection method: clinical testing. Allele origin: germline.
Comment: the same text as in the submission from Illumina Laboratory Services, Illumina above.

Athena Diagnostics
Classification: Benign. Last evaluated: 2017-04-12. Review status: criteria provided, single submitter. Criteria: Athena Diagnostics Criteria. Collection method: clinical testing. Allele origin: germline.

Laboratory for Molecular Medicine, Mass General Brigham Personalized Medicine
Classification: Benign. Last evaluated: 2015-10-01. Review status: criteria provided, single submitter. Criteria: LMM Criteria. Collection method: clinical testing. Allele origin: germline. Observed: 2 variant alleles.
Comment: p.Ile12472Met in exon 194 of TTN: This variant is not expected to have clinical significance because it has been identified in 1.45% (116/7992) of East Asian ch romosomes by the Exome Aggregation Consortium (ExAC. org; dbSNP rs74580375).

GeneDx
Classification: Benign. Last evaluated: 2015-05-08. Review status: criteria provided, single submitter. Criteria: GeneDx Variant Classification (06012015). Collection method: clinical testing. Allele origin: germline. Affected: yes.
Comment: This variant is considered likely benign or benign based on one or more of the following criteria: it is a conservative change, it occurs at a poorly conserved position in the protein, it is predicted to be benign by multiple in silico algorithms, and/or has population frequency not consistent with disease.

Eurofins Ntd Llc (ga)
Classification: Benign. Last evaluated: 2013-09-26. Review status: criteria provided, single submitter. Criteria: EGL Classification Definitions 2015. Collection method: clinical testing. Allele origin: germline. Observed: 1 variant allele, 1 heterozygote.

Breakthrough Genomics
Classification: Likely benign. Review status: criteria provided, single submitter. Criteria: ACMG Guidelines, 2015. Collection method: not provided. Allele origin: germline. Inheritance: Autosomal recessive inheritance. Affected: yes.